The following is an entry in ClinVar:

NM_000388.4(CASR):c.1478A>C (p.Asn493Thr)

Gene: CASR (calcium sensing receptor; plus strand). Cytogenetic location: 3q21.1.
Variant type: single nucleotide variant.
Coding change: c.1478A>C on transcript NM_000388.4 (MANE Select); coding-DNA position 1478, A replaced by C.
Protein change: p.Asn493Thr; replaces asparagine 493 with threonine.
Molecular consequence: missense variant.
Genome position (GRCh38, 1-based): chr3:122,275,912, A>C. VCF-style: chr3-122275912-A-C. GRCh37 (hg19) VCF-style: chr3-121994759-A-C.
Other names: c.1478A>C, p.Asn493Thr (NM_001178065.2); short protein forms N493T.
Identifiers: ClinVar variation 847621 (VCV000847621.12), dbSNP rs140347078, ClinGen allele CA354155182.

ClinVar aggregate classification (germline): Uncertain significance. Review status: criteria provided, multiple submitters, no conflicts (2 of 4 stars). 2 submissions from 2 submitters: Uncertain significance (2). Last evaluated 2021-10-05.

Conditions:
Autosomal dominant hypocalcemia 1 (HYPOC1). Also called: HYPOCALCEMIA, FAMILIAL. Identifiers: MedGen C3715128, MONDO:0011013, OMIM 601198.
Familial hypocalciuric hypercalcemia (FHH). Also called: Familial benign hypercalcemia. Identifiers: Orphanet 405, MedGen C1809471, MONDO:0018458.
Nephrolithiasis/nephrocalcinosis. Identifiers: MedGen CN580796.

Submissions (2):

Ambry Genetics
Classification: Uncertain significance for Nephrolithiasis/nephrocalcinosis. Last evaluated: 2021-10-05. Review status: criteria provided, single submitter. Criteria: Ambry Variant Classification Scheme 2023. Collection method: clinical testing. Allele origin: germline.
Comment: The p.N493T variant (also known as c.1478A>C), located in coding exon 4 of the CASR gene, results from an A to C substitution at nucleotide position 1478. The asparagine at codon 493 is replaced by threonine, an amino acid with similar properties. This amino acid position is conserved. In addition, the in silico prediction for this alteration is inconclusive. Since supporting evidence is limited at this time, the clinical significance of this alteration remains unclear.

Labcorp Genetics (formerly Invitae), Labcorp
Classification: Uncertain significance for Familial hypocalciuric hypercalcemia; Autosomal dominant hypocalcemia 1. Last evaluated: 2021-07-23. Review status: criteria provided, single submitter. Criteria: Invitae Variant Classification Sherloc (09022015). Collection method: clinical testing. Allele origin: germline.
Comment: In summary, the available evidence is currently insufficient to determine the role of this variant in disease. Therefore, it has been classified as a Variant of Uncertain Significance. Algorithms developed to predict the effect of missense changes on protein structure and function (SIFT, PolyPhen-2, Align-GVGD) all suggest that this variant is likely to be disruptive, but these predictions have not been confirmed by published functional studies and their clinical significance is uncertain. This sequence change replaces asparagine with threonine at codon 493 of the CASR protein (p.Asn493Thr). The asparagine residue is highly conserved and there is a small physicochemical difference between asparagine and threonine. This variant is not present in population databases (ExAC no frequency). This variant has not been reported in the literature in individuals with CASR-related conditions.